The following is an entry in ClinVar:

ClinVar aggregate classification (germline): Uncertain significance (1 of 4 stars; one submission).

Conditions:
Surfactant metabolism dysfunction, pulmonary, 4 (SMDP4). Also called: PULMONARY ALVEOLAR PROTEINOSIS, CONGENITAL, 4; PAP DUE TO CSF2RA DEFICIENCY; CSF2RA DEFICIENCY. Identifiers: Orphanet 264675, MedGen C2677877, MONDO:0010424, OMIM 300770.

Allele frequency attached by ClinVar (database versions not stated): TOPMed below 0.00001; gnomAD 0.00001.
gnomAD v4.1: 1 of 1,613,814 alleles (0.000062%); highest among the groups gnomAD compares: African/African-American, 0.0013%; no homozygotes.

Submission:

Labcorp Genetics (formerly Invitae), Labcorp
Classification: Uncertain significance for Surfactant metabolism dysfunction, pulmonary, 4. Last evaluated: 2019-11-12. Review status: criteria provided, single submitter. Criteria: Invitae Variant Classification Sherloc (09022015). Collection method: clinical testing. Allele origin: germline.
Comment: This sequence change falls in intron 11 of the CSF2RA gene. It does not directly change the encoded amino acid sequence of the CSF2RA protein, but it affects a nucleotide within the consensus splice site of the intron. In summary, the available evidence is currently insufficient to determine the role of this variant in disease. Therefore, it has been classified as a Variant of Uncertain Significance. Nucleotide substitutions within the consensus splice site are a relatively common cause of aberrant splicing (PMID: 17576681, 9536098). Algorithms developed to predict the effect of sequence changes on RNA splicing suggest that this variant may disrupt the consensus splice site, but this prediction has not been confirmed by published transcriptional studies. This variant has not been reported in the literature in individuals with CSF2RA-related conditions. This variant is not present in population databases (ExAC no frequency).

Literature cited by the submitters: PubMed 17576681; PubMed 9536098.

NM_172245.4(CSF2RA):c.1044-3C>G

Gene: CSF2RA (colony stimulating factor 2 receptor subunit alpha; plus strand). Cytogenetic location: Xp22.33.
Variant type: single nucleotide variant.
Coding change: c.1044-3C>G on transcript NM_172245.4 (MANE Select); 3 bases into the intron before coding-DNA position 1044, C replaced by G.
Molecular consequence: intron variant.
Genome position (GRCh38, 1-based): chrX:1,305,443, C>G. VCF-style: chrX-1305443-C-G. GRCh37 (hg19) VCF-style: chrX-1424336-C-G.
Other names: c.1044-3C>G (NM_001379163.1, NM_001379159.1, NM_001379162.1 and 9 more transcripts); c.947-3C>G (NM_001379167.1, NM_001379169.1, NM_172247.3 and 1 more transcripts); c.1146-3C>G (NM_001379154.1, NM_001161530.2, NM_001379153.1); c.947-3959C>G (NM_172246.4); c.647-3C>G (NM_172249.4); c.1014-3C>G (NM_001379160.1); c.855-3C>G (NM_001379166.1); c.645-3C>G (NM_001161532.2).
Identifiers: ClinVar variation 966066 (VCV000966066.9), dbSNP rs2083459431, ClinGen allele CA1130429421.